The following is an entry in ClinVar:

ClinVar aggregate classification (germline): Uncertain significance. Review status: criteria provided, multiple submitters, no conflicts (2 of 4 stars). 2 submissions from 2 submitters: Uncertain significance (2). Last evaluated 2023-12-13.

Conditions:
Inborn genetic diseases. Identifiers: MedGen C0950123, MeSH D030342.
Cataract 1 multiple types. Also called: CATARACT, DUFFY-LINKED; CATARACT 1, NUCLEAR PROGRESSIVE; CATARACT 1 WITH MICROCORNEA; CATARACT 1, MULTIPLE TYPES, WITH OR WITHOUT MICROCORNEA; CATARACT 1, POSTERIOR SUBCAPSULAR, WITH MICROCORNEA; CATARACT 1, STELLATE NUCLEAR, WITH MICROCORNEA. Identifiers: Orphanet 1377, MedGen C1861828, MONDO:0007285, OMIM 116200.

Allele frequency attached by ClinVar (database versions not stated): gnomAD exomes 0.00002; ESP Exome Variant Server 0.00008; 1000 Genomes Project 30x 0.00016; 1000 Genomes Project 0.00020; ExAC 0.00003; TOPMed 0.00004; gnomAD 0.00006.

Submissions (2):

Labcorp Genetics (formerly Invitae), Labcorp
Classification: Uncertain significance for Cataract 1 multiple types. Last evaluated: 2023-12-13. Review status: criteria provided, single submitter. Criteria: Invitae Variant Classification Sherloc (09022015). Collection method: clinical testing. Allele origin: germline.
Comment: This sequence change replaces glycine, which is neutral and non-polar, with arginine, which is basic and polar, at codon 8 of the GJA8 protein (p.Gly8Arg). This variant is present in population databases (rs202041458, gnomAD 0.02%). This variant has not been reported in the literature in individuals affected with GJA8-related conditions. ClinVar contains an entry for this variant (Variation ID: 2342241). Advanced modeling of protein sequence and biophysical properties (such as structural, functional, and spatial information, amino acid conservation, physicochemical variation, residue mobility, and thermodynamic stability) performed at Invitae indicates that this missense variant is expected to disrupt GJA8 protein function with a positive predictive value of 95%. In summary, the available evidence is currently insufficient to determine the role of this variant in disease. Therefore, it has been classified as a Variant of Uncertain Significance.

Ambry Genetics
Classification: Uncertain significance for Inborn genetic diseases. Last evaluated: 2022-12-01. Review status: criteria provided, single submitter. Criteria: Ambry Variant Classification Scheme 2023. Collection method: clinical testing. Allele origin: germline.

NM_005267.5(GJA8):c.22G>A (p.Gly8Arg)

Gene: GJA8 (gap junction protein alpha 8; plus strand). Cytogenetic location: 1q21.2.
Variant type: single nucleotide variant.
Coding change: c.22G>A on transcript NM_005267.5 (MANE Select); coding-DNA position 22, G replaced by A.
Protein change: p.Gly8Arg; replaces glycine 8 with arginine.
Molecular consequence: missense variant.
Genome position (GRCh38, 1-based): chr1:147,907,977, G>A. VCF-style: chr1-147907977-G-A. GRCh37 (hg19) VCF-style: chr1-147380104-G-A.
Other names: short protein forms G8R.
Identifiers: ClinVar variation 2342241 (VCV002342241.5), dbSNP rs202041458, ClinGen allele CA1065853.